The following is an entry in ClinVar:

ClinVar aggregate classification (germline): Benign (1 of 4 stars; one submission).

Submission:

Women's Health and Genetics/Laboratory Corporation of America, LabCorp
Classification: Benign. Last evaluated: 2019-09-02. Review status: criteria provided, single submitter. Criteria: LabCorp Variant Classification Summary - May 2015. Collection method: clinical testing. Allele origin: germline.
Comment: Variant summary: MYH6 c.5566-17dupC alters a non-conserved nucleotide located close to a canonical splice site and therefore could affect mRNA splicing, leading to a significantly altered protein sequence. 4/4 computational tools predict no significant impact on normal splicing. However, these predictions have yet to be confirmed by functional studies. The variant allele was found at a frequency of 0.0014 in 16792 control chromosomes. The observed variant frequency is approximately 57 fold of the estimated maximal expected allele frequency for a pathogenic variant in MYH6 causing Cardiomyopathy phenotype (2.5e-05), strongly suggesting that the variant is benign. To our knowledge, no occurrence of c.5566-17dupC in individuals affected with Cardiomyopathy and no experimental evidence demonstrating its impact on protein function have been reported. No clinical diagnostic laboratories have submitted clinical-significance assessments for this variant to ClinVar after 2014. Based on the evidence outlined above, the variant was classified as benign.

NM_002471.4(MYH6):c.5566-19dup

Gene: MYH6 (myosin heavy chain 6; minus strand). Cytogenetic location: 14q11.2.
Variant type: Duplication.
Coding change: c.5566-19dup on transcript NM_002471.4 (MANE Select); 19 bases into the intron before coding-DNA position 5566, one base duplicated (C; older notation c.5566-19dupC).
Molecular consequence: intron variant.
Genome position (GRCh38, 1-based): chr14:23,383,337, G duplicated on the plus strand (C on the coding strand, the reverse complement: MYH6 is on the minus strand); the first of 3 consecutive G bases (chr14:23,383,337-23,383,339); duplicating any one gives the same sequence. VCF-style (leftmost placement, unchanged base first): chr14-23383336-T-TG. GRCh37 (hg19) VCF-style: chr14-23852545-T-TG.
Identifiers: ClinVar variation 928477 (VCV000928477.1), dbSNP rs756566399, ClinGen allele CA7114369.
Genomic context (GRCh38, chr14:23,383,336, plus strand): 5'-CACCAGGTCCTGTAGCCGCAGCAGGTTCTTTTTGTCTTCCTCTGTCTGGGGGTGGGAGGG[T>TG]GGGAGAAGCTGGTTTGGAGGGGGAGCAAATGCAATCACCTTTCCCTCCTCCATCATTTTA-3'